The following is an entry in ClinVar:

NM_000435.3(NOTCH3):c.1709G>T (p.Cys570Phe)

Gene: NOTCH3 (notch receptor 3; minus strand). Cytogenetic location: 19p13.12.
Variant type: single nucleotide variant.
Coding change: c.1709G>T on transcript NM_000435.3 (MANE Select); coding-DNA position 1709, G replaced by T.
Protein change: p.Cys570Phe; replaces cysteine 570 with phenylalanine.
Molecular consequence: missense variant.
Genome position (GRCh38, 1-based): chr19:15,187,236, C>A on the plus strand (G>T on the coding strand, the complement: NOTCH3 is on the minus strand). VCF-style: chr19-15187236-C-A. GRCh37 (hg19) VCF-style: chr19-15298047-C-A.
Other names: short protein forms C570F.
Identifiers: ClinVar variation 1375050 (VCV001375050.6), dbSNP rs2145433085, ClinGen allele CA404525153.

ClinVar aggregate classification (germline): Uncertain significance (1 of 4 stars; one submission).

Submission:

Labcorp Genetics (formerly Invitae), Labcorp
Classification: Uncertain significance. Last evaluated: 2022-06-20. Review status: criteria provided, single submitter. Criteria: Invitae Variant Classification Sherloc (09022015). Collection method: clinical testing. Allele origin: germline.
Comment: This variant has not been reported in the literature in individuals affected with NOTCH3-related conditions. This variant is not present in population databases (gnomAD no frequency). This sequence change replaces cysteine, which is neutral and slightly polar, with phenylalanine, which is neutral and non-polar, at codon 570 of the NOTCH3 protein (p.Cys570Phe). In summary, the available evidence is currently insufficient to determine the role of this variant in disease. Therefore, it has been classified as a Variant of Uncertain Significance. Advanced modeling of protein sequence and biophysical properties (such as structural, functional, and spatial information, amino acid conservation, physicochemical variation, residue mobility, and thermodynamic stability) performed at Invitae indicates that this missense variant is expected to disrupt NOTCH3 protein function.